The following is an entry in ClinVar:

ClinVar aggregate classification (germline): Uncertain significance. Review status: criteria provided, multiple submitters, no conflicts (2 of 4 stars). 2 submissions from 2 submitters: Uncertain significance (2). Last evaluated 2024-02-27.

Conditions:
STING-associated vasculopathy with onset in infancy. Also called: Sting-associated vasculopathy, infantile-onset. Identifiers: Orphanet 425120, MedGen C4014722, MONDO:0014405, OMIM 615934.
Inborn genetic diseases. Identifiers: MedGen C0950123, MeSH D030342.

Allele frequency attached by ClinVar (database versions not stated): ExAC 0.00005.
gnomAD v4.1: 8 of 1,614,176 alleles (0.0005%); highest among the groups gnomAD compares: Admixed American, 0.013%; no homozygotes.

Submissions (2):

Ambry Genetics
Classification: Uncertain significance for Inborn genetic diseases. Last evaluated: 2024-02-27. Review status: criteria provided, single submitter. Criteria: Ambry Variant Classification Scheme 2023. Collection method: clinical testing. Allele origin: germline.

Labcorp Genetics (formerly Invitae), Labcorp
Classification: Uncertain significance for STING-associated vasculopathy with onset in infancy. Last evaluated: 2022-11-28. Review status: criteria provided, single submitter. Criteria: Invitae Variant Classification Sherloc (09022015). Collection method: clinical testing. Allele origin: germline.
Comment: This variant is present in population databases (rs752003355, gnomAD 0.02%). This variant has not been reported in the literature in individuals affected with TMEM173-related conditions. Advanced modeling of protein sequence and biophysical properties (such as structural, functional, and spatial information, amino acid conservation, physicochemical variation, residue mobility, and thermodynamic stability) has been performed at Invitae for this missense variant, however the output from this modeling did not meet the statistical confidence thresholds required to predict the impact of this variant on TMEM173 protein function. In summary, the available evidence is currently insufficient to determine the role of this variant in disease. Therefore, it has been classified as a Variant of Uncertain Significance. This sequence change replaces proline, which is neutral and non-polar, with histidine, which is basic and polar, at codon 303 of the TMEM173 protein (p.Pro303His).

NM_198282.4(STING1):c.908C>A (p.Pro303His)

Gene: STING1 (stimulator of interferon response cGAMP interactor 1; minus strand). Cytogenetic location: 5q31.2.
Variant type: single nucleotide variant.
Coding change: c.908C>A on transcript NM_198282.4 (MANE Select); coding-DNA position 908, C replaced by A.
Protein change: p.Pro303His; replaces proline 303 with histidine.
Molecular consequence: missense variant. On other transcripts: intron variant (1).
Genome position (GRCh38, 1-based): chr5:139,477,367, G>T on the plus strand (C>A on the coding strand, the complement: STING1 is on the minus strand). VCF-style: chr5-139477367-G-T. GRCh37 (hg19) VCF-style: chr5-138856952-G-T.
Other names: c.551C>A, p.Pro184His (NM_001367258.1); c.759+903C>A (NM_001301738.2); c.908C>A (NM_198282.2); short protein forms P184H, P303H.
Identifiers: ClinVar variation 2788532 (VCV002788532.4), dbSNP rs752003355, ClinGen allele CA3435293.